The following is an entry in ClinVar:

NM_001330260.2(SCN8A):c.4000T>C (p.Cys1334Arg)

Gene: SCN8A (sodium voltage-gated channel alpha subunit 8; plus strand). Cytogenetic location: 12q13.13.
Variant type: single nucleotide variant.
Coding change: c.4000T>C on transcript NM_001330260.2 (MANE Select); coding-DNA position 4000, T replaced by C.
Protein change: p.Cys1334Arg; replaces cysteine 1334 with arginine.
Molecular consequence: missense variant.
Genome position (GRCh38, 1-based): chr12:51,786,599, T>C. VCF-style: chr12-51786599-T-C. GRCh37 (hg19) VCF-style: chr12-52180383-T-C.
Other names: c.3877T>C, p.Cys1293Arg (NM_001177984.3, NM_001369788.1); c.4000T>C, p.Cys1334Arg (NM_014191.4); short protein forms C1293R, C1334R.
Identifiers: ClinVar variation 1051894 (VCV001051894.11), dbSNP rs2138904131, ClinGen allele CA384904720.

ClinVar aggregate classification (germline): Uncertain significance. Review status: criteria provided, multiple submitters, no conflicts (2 of 4 stars). 2 submissions from 2 submitters: Uncertain significance (2). Last evaluated 2025-03-04.

Conditions:
Cognitive impairment with or without cerebellar ataxia (CIAT). Identifiers: MedGen C3280415, MONDO:0013680, OMIM 614306.
Early-infantile DEE. Also called: Ohtahara syndrome; Early infantile epileptic encephalopathy with suppression bursts; Early infantile epileptic encephalopathy. Identifiers: Orphanet 1934, MedGen C0393706, MONDO:0800491.

Submissions (2):

Institute of Human Genetics, University of Leipzig Medical Center
Classification: Uncertain significance for Cognitive impairment with or without cerebellar ataxia. Last evaluated: 2025-03-04. Review status: criteria provided, single submitter. Criteria: ACMG Guidelines, 2015. Collection method: clinical testing. Allele origin: unknown. Inheritance: Autosomal dominant inheritance. Affected: yes.
Comment: Criteria applied: PM2_SUP,PM1_STR

Labcorp Genetics (formerly Invitae), Labcorp
Classification: Uncertain significance for Early-infantile DEE. Last evaluated: 2020-08-10. Review status: criteria provided, single submitter. Criteria: Invitae Variant Classification Sherloc (09022015). Collection method: clinical testing. Allele origin: germline.
Comment: In summary, the available evidence is currently insufficient to determine the role of this variant in disease. Therefore, it has been classified as a Variant of Uncertain Significance. Algorithms developed to predict the effect of missense changes on protein structure and function are either unavailable or do not agree on the potential impact of this missense change (SIFT: "Deleterious"; PolyPhen-2: "Probably Damaging"; Align-GVGD: "Class C0"). This variant has not been reported in the literature in individuals with SCN8A-related conditions. This variant is not present in population databases (ExAC no frequency). This sequence change replaces cysteine with arginine at codon 1334 of the SCN8A protein (p.Cys1334Arg). The cysteine residue is highly conserved and there is a large physicochemical difference between cysteine and arginine.